The following is an entry in ClinVar:

ClinVar aggregate classification (germline): Pathogenic/Likely pathogenic. Review status: criteria provided, multiple submitters, no conflicts (2 of 4 stars). 4 submissions from 4 submitters: Pathogenic (1); Likely pathogenic (2). 1 of the submissions does not count toward it. Last evaluated 2025-08-15.

Conditions:
Long QT syndrome 1 (LQT1). Identifiers: Orphanet 101016, Orphanet 768, MedGen C4551647, MONDO:0100316, OMIM 192500, MONDO:0008646.
Long QT syndrome (LQTS). Identifiers: MedGen C0023976, MeSH D008133, MONDO:0002442. Disease mechanism: loss of function. Inheritance: Various modes of inheritance.
Cardiovascular phenotype. Identifiers: MedGen CN230736.
Prolonged QT interval. Identifiers: MedGen C0151878, HP:0001657.

Submissions (4):

Ambry Genetics
Classification: Likely pathogenic for Cardiovascular phenotype. Last evaluated: 2025-08-15. Review status: criteria provided, single submitter. Criteria: Ambry Variant Classification Scheme 2023. Collection method: clinical testing. Allele origin: germline.
Comment: The p.L262P variant (also known as c.785T>C), located in coding exon 6 of the KCNQ1 gene, results from a T to C substitution at nucleotide position 785. The leucine at codon 262 is replaced by proline, an amino acid with similar properties. This variant was reported in individual(s) with features consistent with long QT syndrome (Kolokotronis K et al. J Clin Med, 2020 Jul;9:; Schwartz PJ et al. Eur Heart J, 2021 Dec;42:4743-4755; Walsh R et al. Genet Med, 2021 Jan;23:47-58; Nagata Y et al. PLoS One, 2022 Dec;17:e0277242; Ambry internal data). This amino acid position is highly conserved in available vertebrate species. In addition, this alteration is predicted to be deleterious by in silico analysis. This variant is considered to be rare based on population cohorts in the Genome Aggregation Database (gnomAD). Based on the majority of available evidence to date, this variant is likely to be pathogenic.

Labcorp Genetics (formerly Invitae), Labcorp
Classification: Likely pathogenic for Long QT syndrome. Last evaluated: 2023-06-19. Review status: criteria provided, single submitter. Criteria: Invitae Variant Classification Sherloc (09022015). Collection method: clinical testing. Allele origin: germline.
Comment: In summary, the currently available evidence indicates that the variant is pathogenic, but additional data are needed to prove that conclusively. Therefore, this variant has been classified as Likely Pathogenic. This variant disrupts the p.Leu262 amino acid residue in KCNQ1. Other variant(s) that disrupt this residue have been determined to be pathogenic (PMID: 32383558; Invitae). This suggests that this residue is clinically significant, and that variants that disrupt this residue are likely to be disease-causing. Advanced modeling of protein sequence and biophysical properties (such as structural, functional, and spatial information, amino acid conservation, physicochemical variation, residue mobility, and thermodynamic stability) performed at Invitae indicates that this missense variant is expected to disrupt KCNQ1 protein function. ClinVar contains an entry for this variant (Variation ID: 560359). This missense change has been observed in individual(s) with clinical features of long QT syndrome (Invitae). This variant is not present in population databases (gnomAD no frequency). This sequence change replaces leucine, which is neutral and non-polar, with proline, which is neutral and non-polar, at codon 262 of the KCNQ1 protein (p.Leu262Pro).

MVZ Martinsried, Medicover Genetics
Classification: Pathogenic for Long QT syndrome 1. Last evaluated: 2020-07-10. Review status: criteria provided, single submitter. Criteria: ACGS Guidelines, 2020. Collection method: clinical testing. Allele origin: unknown. Affected: yes.

Institute of Human Genetics, University of Wuerzburg
Classification: Likely pathogenic for Prolonged QT interval. Review status: no assertion criteria provided. Collection method: clinical testing. Allele origin: unknown. Not counted in ClinVar's aggregate classification.

Literature cited by the submitters: PubMed 32659924 (cited by Ambry Genetics); PubMed 32893267 (cited by Ambry Genetics); PubMed 34505893 (cited by Ambry Genetics); PubMed 36480497 (cited by Ambry Genetics); PubMed 32383558 (cited by Labcorp Genetics (formerly Invitae), Labcorp).

NM_000218.3(KCNQ1):c.785T>C (p.Leu262Pro)

Gene: KCNQ1 (potassium voltage-gated channel subfamily Q member 1; plus strand). Cytogenetic location: 11p15.5.
Variant type: single nucleotide variant.
Coding change: c.785T>C on transcript NM_000218.3 (MANE Select); coding-DNA position 785, T replaced by C.
Protein change: p.Leu262Pro; replaces leucine 262 with proline.
Molecular consequence: missense variant.
Genome position (GRCh38, 1-based): chr11:2,572,850, T>C. VCF-style: chr11-2572850-T-C. GRCh37 (hg19) VCF-style: chr11-2594080-T-C.
Other names: c.785T>C, p.Leu262Pro (NM_001406836.1); c.515T>C, p.Leu172Pro (NM_001406837.1); c.404T>C, p.Leu135Pro (NM_181798.2); short protein forms L135P, L262P, L172P.
Identifiers: ClinVar variation 560359 (VCV000560359.7), dbSNP rs1564821090, ClinGen allele CA379131259.